The following is an entry in ClinVar:

ClinVar aggregate classification (germline): Likely benign. Review status: criteria provided, multiple submitters, no conflicts (2 of 4 stars). 2 submissions from 2 submitters: Likely benign (2). Last evaluated 2025-12-03.

Conditions:
Congenital myotonia, autosomal recessive form. Also called: myotonia congenita, autosomal recessive; BECKER DISEASE; Becker Generalized Myotonia. Identifiers: Orphanet 614, MedGen C0751360, MONDO:0009715, OMIM 255700.
Congenital myotonia, autosomal dominant form (THD). Also called: Myotonia congenita autosomal dominant; THOMSEN DISEASE. Identifiers: Orphanet 614, MedGen C2936781, MONDO:0008055, OMIM 160800.

Allele frequency attached by ClinVar (database versions not stated): ExAC 0.00002; TOPMed 0.00003; gnomAD 0.00005.
gnomAD v4.1: 47 of 1,613,340 alleles (0.0029%); highest among the groups gnomAD compares: Admixed American, 0.0067%; no homozygotes.

Submissions (2):

Labcorp Genetics (formerly Invitae), Labcorp
Classification: Likely benign for Congenital myotonia, autosomal recessive form; Congenital myotonia, autosomal dominant form. Last evaluated: 2025-12-03. Review status: criteria provided, single submitter. Criteria: Invitae Variant Classification Sherloc (09022015). Collection method: clinical testing. Allele origin: germline.

GeneDx
Classification: Likely benign. Last evaluated: 2017-11-28. Review status: criteria provided, single submitter. Criteria: GeneDx Variant Classification (06012015). Collection method: clinical testing. Allele origin: germline. Affected: yes.
Comment: This variant is considered likely benign or benign based on one or more of the following criteria: it is a conservative change, it occurs at a poorly conserved position in the protein, it is predicted to be benign by multiple in silico algorithms, and/or has population frequency not consistent with disease.

NM_000083.3(CLCN1):c.2937C>T (p.Asp979=)

Gene: CLCN1 (chloride voltage-gated channel 1; plus strand). Cytogenetic location: 7q34.
Variant type: single nucleotide variant.
Coding change: c.2937C>T on transcript NM_000083.3 (MANE Select); coding-DNA position 2937, C replaced by T.
Protein change: p.Asp979=; no amino-acid change (aspartic acid 979 retained).
Molecular consequence: synonymous variant. On other transcripts: non-coding transcript variant (1).
Genome position (GRCh38, 1-based): chr7:143,351,935, C>T. VCF-style: chr7-143351935-C-T. GRCh37 (hg19) VCF-style: chr7-143049028-C-T.
Identifiers: ClinVar variation 462842 (VCV000462842.9), dbSNP rs776873546, ClinGen allele CA4537818.